The following is an entry in ClinVar:

ClinVar aggregate classification (germline): Conflicting classifications of pathogenicity. Review status: criteria provided, conflicting classifications (1 of 4 stars). 2 submissions from 2 submitters: Uncertain significance (1); Likely benign (1). Last evaluated 2026-09-06.

Conditions:
SAMD11-related disorder. Also called: SAMD11-related condition.

Allele frequency attached by ClinVar (database versions not stated): 1000 Genomes Project 30x 0.00016; 1000 Genomes Project 0.00020; ExAC 0.00037.
gnomAD v4.1: 178 of 1,606,846 alleles (0.011%); highest among the groups gnomAD compares: South Asian, 0.2%; 2 homozygotes.

Submissions (2):

PreventionGenetics, part of Exact Sciences
Classification: Likely benign for SAMD11-related condition. Last evaluated: 2026-09-06. Review status: criteria provided, single submitter. Criteria: ACMG Guidelines, 2015. Collection method: clinical testing. Allele origin: germline.
Comment: This variant is classified as likely benign based on ACMG/AMP sequence variant interpretation guidelines (Richards et al. 2015 PMID: 25741868, with internal and published modifications).

Labcorp Genetics (formerly Invitae), Labcorp
Classification: Uncertain significance. Last evaluated: 2024-12-16. Review status: criteria provided, single submitter. Criteria: Invitae Variant Classification Sherloc (09022015). Collection method: clinical testing. Allele origin: germline.
Comment: This sequence change replaces proline, which is neutral and non-polar, with arginine, which is basic and polar, at codon 77 of the SAMD11 protein (p.Pro77Arg). This variant is present in population databases (rs539026517, gnomAD 0.2%). This variant has not been reported in the literature in individuals affected with SAMD11-related conditions. ClinVar contains an entry for this variant (Variation ID: 1505398). An algorithm developed to predict the effect of missense changes on protein structure and function outputs the following: PolyPhen-2: "Benign". The arginine amino acid residue is found in multiple mammalian species, which suggests that this missense change does not adversely affect protein function. In summary, the available evidence is currently insufficient to determine the role of this variant in disease. Therefore, it has been classified as a Variant of Uncertain Significance.

NM_001385641.1(SAMD11):c.767C>G (p.Pro256Arg)

Gene: SAMD11 (sterile alpha motif domain containing 11; plus strand). Cytogenetic location: 1p36.33.
Variant type: single nucleotide variant.
Coding change: c.767C>G on transcript NM_001385641.1 (MANE Select); coding-DNA position 767, C replaced by G.
Protein change: p.Pro256Arg; replaces proline 256 with arginine.
Molecular consequence: missense variant.
Genome position (GRCh38, 1-based): chr1:930,312, C>G. VCF-style: chr1-930312-C-G. GRCh37 (hg19) VCF-style: chr1-865692-C-G.
Other names: c.767C>G, p.Pro256Arg (NM_001385640.1); c.230C>G, p.Pro77Arg (NM_152486.4); c.230C>G (NM_152486.2); short protein forms P77R, P256R.
Identifiers: ClinVar variation 1505398 (VCV001505398.7), dbSNP rs539026517, ClinGen allele CA502456.
Genomic context (GRCh38, chr1:930,312, plus strand): 5'-ACAGCGACGGGAGTGGCCCCACCTGTGGGCGGCGGCCAGGCTTGAAGCAGGAGGATGGTC[C>G]GCACATCCGTATCATGAAGAGAAGGTACTTGGACCAGGGCCGGACAGGAAGGCGCAAGGC-3'
Protein context (NP_001372570.1, residues 246-266): RRPGLKQEDG[Pro256Arg]HIRIMKRRVH